The following is an entry in ClinVar:

ClinVar aggregate classification (germline): Likely pathogenic (1 of 4 stars; one submission).

Conditions:
Cohen syndrome (COH1). Also called: PEPPER SYNDROME; Cutis verticis gyrata, retinitis pigmentosa, and sensorineural deafness. Identifiers: Orphanet 193, MedGen C0265223, MONDO:0008999, OMIM 216550.

Submission:

Natera, Inc.
Classification: Likely pathogenic for Cohen syndrome. Last evaluated: 2025-10-13. Review status: criteria provided, single submitter. Criteria: Natera Variant Classification Schema (03/2026). Collection method: clinical testing. Allele origin: germline.
Comment: The c.4585del variant in VPS13B is a frameshift variant predicted to shift the reading frame beginning at codon 1529 and leads to a stop codon 6 codons downstream. This variant is expected to result in nonsense mediated decay, truncation, or a dysfunctional protein product. This variant is rare in the general population with a frequency below the threshold expected for the associated phenotype(s). Given the available evidence, this variant is classified as Likely Pathogenic.

NM_152564.5(VPS13B):c.4510del (p.Ser1504fs)

Gene: VPS13B (vacuolar protein sorting 13 homolog B; plus strand). Cytogenetic location: 8q22.2.
Variant type: Deletion.
Coding change: c.4510del on transcript NM_152564.5 (MANE Select); coding-DNA position 4510, one base deleted (T; older notation c.4510delT).
Protein change: p.Ser1504fs; shifts the reading frame from serine 1504.
Molecular consequence: frameshift variant.
Genome position (GRCh38, 1-based): chr8:99,511,389, T deleted. VCF-style (leftmost placement, unchanged base first): chr8-99511388-AT-A. GRCh37 (hg19) VCF-style: chr8-100523616-AT-A.
Other names: c.4585delT, p.Ser1529Leufs (NM_017890.4); c.4585del, p.Ser1529fs (NM_017890.5); short protein forms S1504fs, S1529fs.
Identifiers: ClinVar variation 4815952 (VCV004815952.1).